The following is an entry in ClinVar:

ClinVar aggregate classification (germline): Pathogenic. Review status: criteria provided, single submitter (1 of 4 stars). 2 submissions from 2 submitters: Pathogenic (1). 1 of the submissions does not count toward it. Last evaluated 2025-06-13.

Conditions:
LAMA3-Related Junctional Epidermolysis Bullosa. Identifiers: MedGen CN381064.
Junctional epidermolysis bullosa gravis of Herlitz. Also called: EPIDERMOLYSIS BULLOSA, JUNCTIONAL 1B, SEVERE; Epidermolysis Bullosa Letalis; Herlitz-type junctional epidermolysis bullosa; EPIDERMOLYSIS BULLOSA JUNCTIONALIS, HERLITZ TYPE; EPIDERMOLYSIS BULLOSA, JUNCTIONAL, HERLITZ-PEARSON TYPE; JEB-HERLITZ TYPE. Identifiers: Orphanet 79404, MedGen C0079683, MONDO:0009182, OMIM 226700.

Allele frequency attached by ClinVar (database versions not stated): gnomAD 0.00001; TOPMed 0.00001; 1000 Genomes Project 0.00020; 1000 Genomes Project 30x 0.00016; gnomAD exomes 0.00002; ExAC 0.00002.
gnomAD v4.1: 18 of 1,614,088 alleles (0.0011%); highest among the groups gnomAD compares: East Asian, 0.0022%; no homozygotes.

Submissions (2):

Rady Children's Institute for Genomic Medicine, Rady Children's Hospital San Diego
Classification: Pathogenic for LAMA3-related junctional epidermolysis bullosa. Last evaluated: 2025-06-13. Review status: criteria provided, single submitter. Criteria: ACMG Guidelines, 2015. Collection method: clinical testing. Allele origin: germline. Affected: yes.
Comment: This nonsense variant, found in exon 26 of 38, is predicted to result in loss of normal protein function through either protein truncation or nonsense-mediated mRNA decay. Loss-of-function variation in LAMA3 is an established mechanism of disease (HGMD, ClinVar database, PMID: 20301304). This variant has been previously reported as a compound heterozygous change in a patient with junctional epidermolysis bullosa (PMID: 22434185). The c.3376C>T (p.Arg1126Ter) variant is present in the latest version of the gnomAD population database at an allele frequency of 0.001% (19/1613438), and is absent in the homozygous state, thus is presumed to be rare. Based on the available evidence, c.3376C>T (p.Arg1126Ter) is classified as Pathogenic.

Counsyl
Classification: Uncertain significance for Junctional epidermolysis bullosa gravis of Herlitz. Last evaluated: 2017-09-12. Review status: no assertion criteria provided. Collection method: clinical testing. Allele origin: unknown. Not counted in ClinVar's aggregate classification.

Literature cited by the submitters: PubMed 20301304 (cited by Rady Children's Institute for Genomic Medicine, Rady Children's Hospital San Diego); PubMed 22434185 (cited by Rady Children's Institute for Genomic Medicine, Rady Children's Hospital San Diego).

NM_198129.4(LAMA3):c.3376C>T (p.Arg1126Ter)

Gene: LAMA3 (laminin subunit alpha 3; plus strand). Cytogenetic location: 18q11.2.
Variant type: single nucleotide variant.
Coding change: c.3376C>T on transcript NM_198129.4 (MANE Select); coding-DNA position 3376, C replaced by T.
Protein change: p.Arg1126Ter; replaces arginine 1126 with a stop codon.
Molecular consequence: nonsense.
Genome position (GRCh38, 1-based): chr18:23,842,434, C>T. VCF-style: chr18-23842434-C-T. GRCh37 (hg19) VCF-style: chr18-21422398-C-T.
Other names: c.3376C>T, p.Arg1126Ter (NM_001127717.4); short protein forms R1126*.
Identifiers: ClinVar variation 553661 (VCV000553661.5), dbSNP rs540179310, ClinGen allele CA8915242.